The following is an entry in ClinVar:

NM_014516.4(CNOT3):c.1076C>T (p.Pro359Leu)

Gene: CNOT3 (CCR4-NOT transcription complex subunit 3; plus strand). Cytogenetic location: 19q13.42.
Variant type: single nucleotide variant.
Coding change: c.1076C>T on transcript NM_014516.4 (MANE Select); coding-DNA position 1076, C replaced by T.
Protein change: p.Pro359Leu; replaces proline 359 with leucine.
Molecular consequence: missense variant.
Genome position (GRCh38, 1-based): chr19:54,148,329, C>T. VCF-style: chr19-54148329-C-T. GRCh37 (hg19) VCF-style: chr19-54652064-C-T.
Other names: short protein forms P359L.
Identifiers: ClinVar variation 3897271 (VCV003897271.1).

ClinVar aggregate classification (germline): Uncertain significance (1 of 4 stars; one submission).

Submission:

GeneDx
Classification: Uncertain significance. Last evaluated: 2024-10-29. Review status: criteria provided, single submitter. Criteria: GeneDx Variant Classification Process June 2021. Collection method: clinical testing. Allele origin: germline. Affected: yes.
Comment: Not observed at significant frequency in large population cohorts (gnomAD); In silico analysis indicates that this missense variant does not alter protein structure/function; Has not been previously published as pathogenic or benign to our knowledge